The following is an entry in ClinVar:

ClinVar aggregate classification (germline): Conflicting classifications of pathogenicity. Review status: criteria provided, conflicting classifications (1 of 4 stars). 3 submissions from 3 submitters: Uncertain significance (2); Likely benign (1). Last evaluated 2025-12-30.

Conditions:
Cardiovascular phenotype. Identifiers: MedGen CN230736.
Hypertrophic cardiomyopathy. Also called: HYPERTROPHIC MYOCARDIOPATHY. Identifiers: Orphanet 217569, MedGen C0007194, MeSH D002312, MONDO:0005045, HP:0001639.

Submissions (3):

Ambry Genetics
Classification: Likely benign for Cardiovascular phenotype. Last evaluated: 2025-12-30. Review status: criteria provided, single submitter. Criteria: Ambry Variant Classification Scheme 2023. Collection method: clinical testing. Allele origin: germline.

Labcorp Genetics (formerly Invitae), Labcorp
Classification: Uncertain significance for Hypertrophic cardiomyopathy. Last evaluated: 2024-10-04. Review status: criteria provided, single submitter. Criteria: Invitae Variant Classification Sherloc (09022015). Collection method: clinical testing. Allele origin: germline.
Comment: This sequence change replaces serine, which is neutral and polar, with glycine, which is neutral and non-polar, at codon 747 of the MYH7 protein (p.Ser747Gly). This variant is not present in population databases (gnomAD no frequency). This variant has not been reported in the literature in individuals affected with MYH7-related conditions. Invitae Evidence Modeling of protein sequence and biophysical properties (such as structural, functional, and spatial information, amino acid conservation, physicochemical variation, residue mobility, and thermodynamic stability) indicates that this missense variant is not expected to disrupt MYH7 protein function with a negative predictive value of 95%. In summary, the available evidence is currently insufficient to determine the role of this variant in disease. Therefore, it has been classified as a Variant of Uncertain Significance.

Mayo Clinic Laboratories, Mayo Clinic
Classification: Uncertain significance. Last evaluated: 2024-06-05. Review status: criteria provided, single submitter. Criteria: ACMG Guidelines, 2015. Collection method: clinical testing. Allele origin: germline. Observed: 1 variant allele.
Comment: BP4_strong, PM1, PM2

NM_000257.4(MYH7):c.2239A>G (p.Ser747Gly)

Gene: MYH7 (myosin heavy chain 7; minus strand). Cytogenetic location: 14q11.2.
Variant type: single nucleotide variant.
Coding change: c.2239A>G on transcript NM_000257.4 (MANE Select); coding-DNA position 2239, A replaced by G.
Protein change: p.Ser747Gly; replaces serine 747 with glycine.
Molecular consequence: missense variant.
Genome position (GRCh38, 1-based): chr14:23,425,742, T>C on the plus strand (A>G on the coding strand, the complement: MYH7 is on the minus strand). VCF-style: chr14-23425742-T-C. GRCh37 (hg19) VCF-style: chr14-23894951-T-C.
Other names: p.Ser747Gly; c.2239A>G, p.Ser747Gly (NM_001407004.1); short protein forms S747G.
Identifiers: ClinVar variation 3380179 (VCV003380179.4).